The following is an entry in ClinVar:

NM_001370259.2(MEN1):c.964A>T (p.Met322Leu)

Gene: MEN1 (menin 1; minus strand). Cytogenetic location: 11q13.1.
Variant type: single nucleotide variant.
Coding change: c.964A>T on transcript NM_001370259.2 (MANE Select); coding-DNA position 964, A replaced by T.
Protein change: p.Met322Leu; replaces methionine 322 with leucine.
Molecular consequence: missense variant.
Genome position (GRCh38, 1-based): chr11:64,806,317, T>A on the plus strand (A>T on the coding strand, the complement: MEN1 is on the minus strand). VCF-style: chr11-64806317-T-A. GRCh37 (hg19) VCF-style: chr11-64573789-T-A.
Other names: c.979A>T, p.Met327Leu (NM_000244.4, NM_130800.3, NM_130801.3 and 3 more transcripts); c.964A>T, p.Met322Leu (NM_001370251.2, NM_001370260.2, NM_001370261.2 and 1 more transcripts); c.859A>T, p.Met287Leu (NM_001370262.2, NM_001370263.2); short protein forms M322L, M327L, M287L.
Identifiers: ClinVar variation 457348 (VCV000457348.15), dbSNP rs1555165089, ClinGen allele CA381183350.

ClinVar aggregate classification (germline): Conflicting classifications of pathogenicity. Review status: criteria provided, conflicting classifications (1 of 4 stars). 3 submissions from 3 submitters: Uncertain significance (2); Benign (1). Last evaluated 2025-12-05.

Conditions:
Hereditary cancer-predisposing syndrome. Also called: Hereditary Cancer Syndrome; Hereditary neoplastic syndrome; Tumor predisposition; Neoplastic Syndromes, Hereditary. Identifiers: Orphanet 140162, MedGen C0027672, MeSH D009386, MONDO:0015356.
Multiple endocrine neoplasia, type 1 (MEN1). Also called: MEN I; WERMER SYNDROME; Endocrine adenomatosis multiple; MEN 1; MEA I. Identifiers: Orphanet 652, MedGen C0025267, MeSH D018761, MONDO:0007540, OMIM 131100.

Submissions (3):

Labcorp Genetics (formerly Invitae), Labcorp
Classification: Benign for Multiple endocrine neoplasia, type 1. Last evaluated: 2025-12-05. Review status: criteria provided, single submitter. Criteria: Invitae Variant Classification Sherloc (09022015). Collection method: clinical testing. Allele origin: germline.

Ambry Genetics
Classification: Uncertain significance for Hereditary cancer-predisposing syndrome. Last evaluated: 2025-09-04. Review status: criteria provided, single submitter. Criteria: Ambry Variant Classification Scheme 2023. Collection method: clinical testing. Allele origin: germline.
Comment: The p.M322L variant (also known as c.964A>T), located in coding exon 6 of the MEN1 gene, results from an A to T substitution at nucleotide position 964. The methionine at codon 322 is replaced by leucine, an amino acid with highly similar properties. This amino acid position is well conserved in available vertebrate species. In addition, the in silico prediction for this alteration is inconclusive, and direct evidence is insufficient at this time (Ambry internal data). Since supporting evidence is limited at this time, the clinical significance of this alteration remains unclear.

Baylor Genetics
Classification: Uncertain significance for Multiple Endocrine Neoplasia Type 1. Last evaluated: 2023-10-05. Review status: criteria provided, single submitter. Criteria: ACMG Guidelines, 2015. Collection method: clinical testing. Allele origin: unknown.